The following is an entry in ClinVar:

ClinVar aggregate classification (germline): Likely benign (1 of 4 stars; one submission).

Conditions:
SDCCAG8-related disorder. Also called: SDCCAG8-Related Disorders; SDCCAG8-related condition.

Submission:

PreventionGenetics, part of Exact Sciences
Classification: Likely benign for SDCCAG8-related condition. Last evaluated: 2025-05-27. Review status: criteria provided, single submitter. Criteria: ACMG Guidelines, 2015. Collection method: clinical testing. Allele origin: germline.
Comment: This variant is classified as likely benign based on ACMG/AMP sequence variant interpretation guidelines (Richards et al. 2015 PMID: 25741868, with internal and published modifications).

NM_006642.5(SDCCAG8):c.306+5G>A

Gene: SDCCAG8 (SHH signaling and ciliogenesis regulator SDCCAG8; plus strand). Cytogenetic location: 1q43.
Variant type: single nucleotide variant.
Coding change: c.306+5G>A on transcript NM_006642.5 (MANE Select); 5 bases into the intron after coding-DNA position 306, G replaced by A.
Molecular consequence: intron variant.
Genome position (GRCh38, 1-based): chr1:243,271,068, G>A. VCF-style: chr1-243271068-G-A. GRCh37 (hg19) VCF-style: chr1-243434370-G-A.
Other names: c.12+5G>A (NM_001350249.2); c.-1068+5G>A (NM_001350251.2); c.306+5G>A (NM_001350248.2); c.-807+5G>A (NM_001350246.2); c.-695+5G>A (NM_001350247.2).
Identifiers: ClinVar variation 4997116 (VCV004997116.1).